The following is an entry in ClinVar:

NM_000092.5(COL4A4):c.1398del (p.Pro467fs)

Gene: COL4A4 (collagen type IV alpha 4 chain; minus strand). Cytogenetic location: 2q36.3.
Variant type: Deletion.
Coding change: c.1398del on transcript NM_000092.5 (MANE Select); coding-DNA position 1398, one base deleted (A; older notation c.1398delA).
Protein change: p.Pro467fs; shifts the reading frame from proline 467.
Molecular consequence: frameshift variant.
Genome position (GRCh38, 1-based): chr2:227,089,929, T deleted on the plus strand (A on the coding strand, the reverse complement: COL4A4 is on the minus strand). VCF-style (leftmost placement, unchanged base first): chr2-227089928-GT-G. GRCh37 (hg19) VCF-style: chr2-227954644-GT-G.
Other names: short protein forms P467fs.
Identifiers: ClinVar variation 4531831 (VCV004531831.1).

ClinVar aggregate classification (germline): Pathogenic (1 of 4 stars; one submission).

Conditions:
Alport syndrome. Also called: Hemorrhagic familial nephritis; Hemorrhagic hereditary nephritis; Congenital hereditary hematuria. Identifiers: Orphanet 63, MedGen C1567741, MONDO:0018965.

Submission:

Victorian Clinical Genetics Services, Murdoch Childrens Research Institute
Classification: Pathogenic for Alport syndrome. Last evaluated: 2025-02-13. Review status: criteria provided, single submitter. Criteria: ACMG Guidelines, 2015. Collection method: clinical testing. Allele origin: germline. Affected: yes.
Comment: This variant is classified as Pathogenic. Evidence in support of pathogenic classification: Variant is predicted to cause nonsense-mediated decay (NMD) and loss of protein (premature termination codon is located at least 54 nucleotides upstream of the final exon-exon junction); Variant is absent from gnomAD (v2, v3 and v4); Other NMD-predicted variants comparable to the one identified in this case have very strong previous evidence for pathogenicity (DECIPHER). Additional information: This variant is heterozygous; This gene is associated with both recessive and dominant disease. Alport syndrome typically has biallelic inheritance, although rare cases of monoallelic inheritance have been reported (PMID: 28704582). Thin basement membrane nephropathy (TBMN) and focal segmental glomerulosclerosis (FSGS) are associated with autosomal dominant inheritance (OMIM, PMIDs: 16467446, 17942953); This variant has no previous evidence of pathogenicity; No published segregation evidence has been identified for this variant; No published functional evidence has been identified for this variant; Loss of function is a known mechanism of disease for this gene and is associated with Alport syndrome. Dominant negative is a suspected mechanism of disease for this gene as it is a structural protein (PMIDs: 12028435, 24046192); Inheritance information for this variant is not currently available in this individual.

Literature cited by the submitters: PubMed 24046192; PubMed 16467446; PubMed 12028435; PubMed 28704582; PubMed 17942953.